The following is an entry in ClinVar:

NM_017852.5(NLRP2):c.147G>A (p.Lys49=)

Gene: NLRP2 (NLR family pyrin domain containing 2; plus strand). Cytogenetic location: 19q13.42.
Variant type: single nucleotide variant.
Coding change: c.147G>A on transcript NM_017852.5 (MANE Select); coding-DNA position 147, G replaced by A.
Protein change: p.Lys49=; no amino-acid change (lysine 49 retained).
Molecular consequence: synonymous variant. On other transcripts: non-coding transcript variant (1), intron variant (1).
Genome position (GRCh38, 1-based): chr19:54,970,162, G>A. VCF-style: chr19-54970162-G-A. GRCh37 (hg19) VCF-style: chr19-55481530-G-A.
Other names: c.147G>A (NM_001174081.2); c.147G>A, p.Lys49= (NM_001174081.3, NM_001174082.3, NM_001348003.2); c.138+9G>A (NM_001174083.2).
Identifiers: ClinVar variation 1711488 (VCV001711488.31), dbSNP rs200815567, ClinGen allele CA310059043.

ClinVar aggregate classification (germline): Likely benign. Review status: criteria provided, single submitter (1 of 4 stars). 2 submissions from 2 submitters: Likely benign (1). 1 of the submissions does not count toward it. Last evaluated 2022-08-01.

Conditions:
NLRP2-related disorder. Also called: NLRP2-related condition.

Allele frequency attached by ClinVar (database versions not stated): ExAC 0.00012; TOPMed 0.00012; gnomAD exomes 0.00014; 1000 Genomes Project 30x 0.00016; 1000 Genomes Project 0.00020; gnomAD 0.00009.
gnomAD v4.1: 210 of 1,614,106 alleles (0.013%); highest among the groups gnomAD compares: Non-Finnish European, 0.017%; no homozygotes.

Submissions (2):

CeGaT Center for Human Genetics Tuebingen
Classification: Likely benign. Last evaluated: 2022-08-01. Review status: criteria provided, single submitter. Criteria: CeGaT Center For Human Genetics Tuebingen Variant Classification Criteria Version 2. Collection method: clinical testing. Allele origin: germline. Affected: yes. Observed: 1 variant allele.
Comment: NLRP2: BP4, BP7

PreventionGenetics, part of Exact Sciences
Classification: Likely benign for NLRP2-related condition. Last evaluated: 2019-06-21. Review status: no assertion criteria provided. Collection method: clinical testing. Allele origin: germline. Not counted in ClinVar's aggregate classification.
Comment: This variant is classified as likely benign based on ACMG/AMP sequence variant interpretation guidelines (Richards et al. 2015 PMID: 25741868, with internal and published modifications).